The following is an entry in ClinVar:

ClinVar aggregate classification (germline): Uncertain significance. Review status: criteria provided, multiple submitters, no conflicts (2 of 4 stars). 2 submissions from 2 submitters: Uncertain significance (2). Last evaluated 2026-06-01.

Conditions:
Hereditary cancer-predisposing syndrome. Also called: Hereditary neoplastic syndrome; Neoplastic Syndromes, Hereditary; Tumor predisposition; Hereditary Cancer Syndrome. Identifiers: Orphanet 140162, MedGen C0027672, MeSH D009386, MONDO:0015356.
Multiple endocrine neoplasia, type 1 (MEN1). Also called: MEA I; MEN I; WERMER SYNDROME; Endocrine adenomatosis multiple; MEN 1. Identifiers: Orphanet 652, MedGen C0025267, MeSH D018761, MONDO:0007540, OMIM 131100.

Allele frequency attached by ClinVar (database versions not stated): gnomAD exomes below 0.00001; TOPMed below 0.00001; gnomAD 0.00001.
gnomAD v4.1: 3 of 1,614,030 alleles (0.00019%); highest among the groups gnomAD compares: East Asian, 0.0022%; no homozygotes.

Submissions (2):

Ambry Genetics
Classification: Uncertain significance for Hereditary cancer-predisposing syndrome. Last evaluated: 2026-06-01. Review status: criteria provided, single submitter. Criteria: Ambry Variant Classification Scheme 2023. Collection method: clinical testing. Allele origin: germline.
Comment: The p.R206C variant (also known as c.616C>T), located in coding exon 2 of the MEN1 gene, results from a C to T substitution at nucleotide position 616. The arginine at codon 206 is replaced by cysteine, an amino acid with highly dissimilar properties. This amino acid position is highly conserved in available vertebrate species. In addition, this alteration is predicted to be deleterious by in silico analysis. Based on the available evidence, the clinical significance of this variant remains unclear.

Labcorp Genetics (formerly Invitae), Labcorp
Classification: Uncertain significance for Multiple endocrine neoplasia, type 1. Last evaluated: 2025-11-05. Review status: criteria provided, single submitter. Criteria: Invitae Variant Classification Sherloc (09022015). Collection method: clinical testing. Allele origin: germline.
Comment: This sequence change replaces arginine, which is basic and polar, with cysteine, which is neutral and slightly polar, at codon 206 of the MEN1 protein (p.Arg206Cys). This variant is not present in population databases (gnomAD no frequency). This variant has not been reported in the literature in individuals affected with MEN1-related conditions. ClinVar contains an entry for this variant (Variation ID: 1017499). Invitae Evidence Modeling of protein sequence and biophysical properties (such as structural, functional, and spatial information, amino acid conservation, physicochemical variation, residue mobility, and thermodynamic stability) indicates that this missense variant is expected to disrupt MEN1 protein function with a positive predictive value of 95%. In summary, the available evidence is currently insufficient to determine the role of this variant in disease. Therefore, it has been classified as a Variant of Uncertain Significance.

NM_001370259.2(MEN1):c.616C>T (p.Arg206Cys)

Gene: MEN1 (menin 1; minus strand). Cytogenetic location: 11q13.1.
Variant type: single nucleotide variant.
Coding change: c.616C>T on transcript NM_001370259.2 (MANE Select); coding-DNA position 616, C replaced by T.
Protein change: p.Arg206Cys; replaces arginine 206 with cysteine.
Molecular consequence: missense variant. On other transcripts: intron variant (2).
Genome position (GRCh38, 1-based): chr11:64,807,929, G>A on the plus strand (C>T on the coding strand, the complement: MEN1 is on the minus strand). VCF-style: chr11-64807929-G-A. GRCh37 (hg19) VCF-style: chr11-64575401-G-A.
Other names: c.631C>T, p.Arg211Cys (NM_000244.4, NM_130800.3, NM_130801.3 and 3 more transcripts); c.616C>T, p.Arg206Cys (NM_001370251.2, NM_001370260.2, NM_001370261.2 and 1 more transcripts); c.549+67C>T (NM_001370263.2, NM_001370262.2); short protein forms R206C, R211C.
Identifiers: ClinVar variation 1017499 (VCV001017499.11), dbSNP rs1392579402, ClinGen allele CA381185410.